The following is an entry in ClinVar:

ClinVar aggregate classification (germline): Likely benign. Review status: criteria provided, multiple submitters, no conflicts (2 of 4 stars). 4 submissions from 4 submitters: Likely benign (4). Last evaluated 2026-08-24.

Conditions:
Cardiovascular phenotype. Identifiers: MedGen CN230736.
Cardiomyopathy (CMYO). Also called: Cardiomyopathies. Identifiers: Orphanet 167848, MedGen C0878544, MONDO:0004994, HP:0001638. Inheritance: Various modes of inheritance.
Dilated cardiomyopathy 1G (CMD1G). Identifiers: Orphanet 154, MedGen C1858763, MONDO:0011400, OMIM 604145.
Autosomal recessive limb-girdle muscular dystrophy type 2J (LGMDR10). Also called: Limb-girdle muscular dystrophy, type 2J; MUSCULAR DYSTROPHY, LIMB-GIRDLE, AUTOSOMAL RECESSIVE 10. Identifiers: Orphanet 140922, MedGen C1837342, MONDO:0012127, OMIM 608807.

Allele frequency attached by ClinVar (database versions not stated): ExAC 0.00001; gnomAD exomes 0.00001; TOPMed 0.00003.
gnomAD v4.1: 9 of 1,610,604 alleles (0.00056%); highest among the groups gnomAD compares: Middle Eastern, 0.017%; no homozygotes.

Submissions (4):

Ambry Genetics
Classification: Likely benign for Cardiovascular phenotype. Last evaluated: 2026-08-24. Review status: criteria provided, single submitter. Criteria: Ambry Variant Classification Scheme 2023. Collection method: clinical testing. Allele origin: germline.

Labcorp Genetics (formerly Invitae), Labcorp
Classification: Likely benign for Dilated cardiomyopathy 1G; Autosomal recessive limb-girdle muscular dystrophy type 2J. Last evaluated: 2026-01-28. Review status: criteria provided, single submitter. Criteria: Invitae Variant Classification Sherloc (09022015). Collection method: clinical testing. Allele origin: germline.

CeGaT Center for Human Genetics Tuebingen
Classification: Likely benign. Last evaluated: 2025-03-01. Review status: criteria provided, single submitter. Criteria: CeGaT Center For Human Genetics Tuebingen Variant Classification Criteria Version 2. Collection method: clinical testing. Allele origin: germline. Affected: yes. Observed: 4 variant alleles.
Comment: TTN: BP4, BP7

CHEO Genetics Diagnostic Laboratory, Children's Hospital of Eastern Ontario
Classification: Likely benign for Cardiomyopathy. Last evaluated: 2020-05-26. Review status: criteria provided, single submitter. Criteria: ACMG Guidelines, 2015. Collection method: clinical testing. Allele origin: germline.

NM_001267550.2(TTN):c.107724T>C (p.Ile35908=)

Genes: TTN (titin; minus strand), TTN-AS1 (TTN antisense RNA 1; plus strand). Cytogenetic location: 2q31.2.
Variant type: single nucleotide variant.
Coding change: c.107724T>C on transcript NM_001267550.2 (MANE Select); coding-DNA position 107724, T replaced by C.
Protein change: p.Ile35908=; no amino-acid change (isoleucine 35908 retained).
Molecular consequence: synonymous variant.
Genome position (GRCh38, 1-based): chr2:178,527,264, A>G on the plus strand (T>C on the coding strand, the complement: TTN is on the minus strand). VCF-style: chr2-178527264-A-G. GRCh37 (hg19) VCF-style: chr2-179391991-A-G.
Other names: c.102801T>C, p.Ile34267= (NM_001256850.1); c.80529T>C, p.Ile26843= (NM_003319.4); c.100020T>C, p.Ile33340= (NM_133378.4); c.80904T>C, p.Ile26968= (NM_133432.3); c.81105T>C, p.Ile27035= (NM_133437.4).
Identifiers: ClinVar variation 466770 (VCV000466770.29), dbSNP rs748517132, ClinGen allele CA1984886.
Genomic context (GRCh38, chr2:178,527,264, plus strand): 5'-TACTTCTGGGGTAGGCTCACCCGTGAAAGCACAGGCTACTGTTAGAACTTTGCCTTCATC[A>G]ATGCTGATATCAGATGGAAGAGCTTCAATTTTAGGCGGAATTCCTTTATGGAACAATGAC-3'
Protein context (NP_001254479.2, residues 35898-35918): KIEALPSDIS[Ile35908=]DEGKVLTVAC